The following is an entry in ClinVar:

NM_000387.6(SLC25A20):c.83G>A (p.Gly28Asp)

Gene: SLC25A20 (solute carrier family 25 member 20; minus strand). Cytogenetic location: 3p21.31.
Variant type: single nucleotide variant.
Coding change: c.83G>A on transcript NM_000387.6 (MANE Select); coding-DNA position 83, G replaced by A.
Protein change: p.Gly28Asp; replaces glycine 28 with aspartic acid.
Molecular consequence: missense variant.
Genome position (GRCh38, 1-based): chr3:48,898,712, C>T on the plus strand (G>A on the coding strand, the complement: SLC25A20 is on the minus strand). VCF-style: chr3-48898712-C-T. GRCh37 (hg19) VCF-style: chr3-48936145-C-T.
Other names: short protein forms G28D.
Identifiers: ClinVar variation 1395231 (VCV001395231.6), dbSNP rs2106672462, ClinGen allele CA352639079.

ClinVar aggregate classification (germline): Uncertain significance (1 of 4 stars; one submission).

Conditions:
Carnitine acylcarnitine translocase deficiency (CACTD). Identifiers: Orphanet 159, MedGen C0342791, MONDO:0008918, OMIM 212138.

Submission:

Labcorp Genetics (formerly Invitae), Labcorp
Classification: Uncertain significance for Carnitine acylcarnitine translocase deficiency. Last evaluated: 2021-11-27. Review status: criteria provided, single submitter. Criteria: Invitae Variant Classification Sherloc (09022015). Collection method: clinical testing. Allele origin: germline.
Comment: This sequence change replaces glycine, which is neutral and non-polar, with aspartic acid, which is acidic and polar, at codon 28 of the SLC25A20 protein (p.Gly28Asp). This variant is not present in population databases (gnomAD no frequency). This variant has not been reported in the literature in individuals affected with SLC25A20-related conditions. Algorithms developed to predict the effect of missense changes on protein structure and function are either unavailable or do not agree on the potential impact of this missense change (SIFT: "Deleterious"; PolyPhen-2: "Probably Damaging"; Align-GVGD: "Class C0"). In summary, the available evidence is currently insufficient to determine the role of this variant in disease. Therefore, it has been classified as a Variant of Uncertain Significance.